The following is an entry in ClinVar:

ClinVar aggregate classification (germline): Benign. Review status: criteria provided, multiple submitters, no conflicts (2 of 4 stars). 2 submissions from 2 submitters: Benign (2). Last evaluated 2018-06-19.

Allele frequency attached by ClinVar (database versions not stated): 1000 Genomes Project 30x 0.17520; 1000 Genomes Project 0.17732; TOPMed 0.19270; gnomAD 0.20082 and 0.20098; gnomAD exomes 0.21025.
gnomAD v4.1: 69,974 of 339,062 alleles (21%); highest among the groups gnomAD compares: Middle Eastern, 24%; 7,441 homozygotes.

Submissions (2):

GeneDx
Classification: Benign. Last evaluated: 2018-06-19. Review status: criteria provided, single submitter. Criteria: GeneDx Variant Classification (06012015). Collection method: clinical testing. Allele origin: germline. Affected: yes.
Comment: This variant is considered likely benign or benign based on one or more of the following criteria: it is a conservative change, it occurs at a poorly conserved position in the protein, it is predicted to be benign by multiple in silico algorithms, and/or has population frequency not consistent with disease.

Breakthrough Genomics
Classification: Benign. Review status: criteria provided, single submitter. Criteria: ACMG Guidelines, 2015. Collection method: not provided. Allele origin: germline. Inheritance: Autosomal recessive inheritance. Affected: yes.

NM_000183.3(HADHB):c.109+308G>A

Gene: HADHB (hydroxyacyl-CoA dehydrogenase trifunctional multienzyme complex subunit beta; plus strand). Cytogenetic location: 2p23.3.
Variant type: single nucleotide variant.
Coding change: c.109+308G>A on transcript NM_000183.3 (MANE Select); 308 bases into the intron after coding-DNA position 109, G replaced by A.
Molecular consequence: intron variant.
Genome position (GRCh38, 1-based): chr2:26,254,782, G>A. VCF-style: chr2-26254782-G-A. GRCh37 (hg19) VCF-style: chr2-26477650-G-A.
Other names: c.-41+308G>A (NM_001281513.2); c.109+308G>A (NM_001281512.2).
Identifiers: ClinVar variation 680605 (VCV000680605.2), dbSNP rs2033317, ClinGen allele CA11004414.